The following is an entry in ClinVar:

NM_198576.4(AGRN):c.3402C>A (p.Phe1134Leu)

Gene: AGRN (agrin; plus strand). Cytogenetic location: 1p36.33.
Variant type: single nucleotide variant.
Coding change: c.3402C>A on transcript NM_198576.4 (MANE Select); coding-DNA position 3402, C replaced by A.
Protein change: p.Phe1134Leu; replaces phenylalanine 1134 with leucine.
Molecular consequence: missense variant.
Genome position (GRCh38, 1-based): chr1:1,047,340, C>A. VCF-style: chr1-1047340-C-A. GRCh37 (hg19) VCF-style: chr1-982720-C-A.
Other names: c.3402C>A, p.Phe1134Leu (NM_001305275.2); c.3087C>A, p.Phe1029Leu (NM_001364727.2); short protein forms F1029L, F1134L.
Identifiers: ClinVar variation 1450692 (VCV001450692.6), dbSNP rs1250886116, ClinGen allele CA337849038.

ClinVar aggregate classification (germline): Uncertain significance (1 of 4 stars; one submission).

Conditions:
Congenital myasthenic syndrome 8. Also called: MYASTHENIC SYNDROME, CONGENITAL, DUE TO AGRIN DEFICIENCY; Myasthenic syndrome, congenital, 8, with pre- and postsynaptic defects. Identifiers: Orphanet 590, MedGen C3808739, MONDO:0014052, OMIM 615120.

Allele frequency attached by ClinVar (database versions not stated): gnomAD 0.00001.
gnomAD v4.1: 1 of 1,604,712 alleles (0.000062%); highest among the groups gnomAD compares: Non-Finnish European, 0.000085%; no homozygotes.

Submission:

Labcorp Genetics (formerly Invitae), Labcorp
Classification: Uncertain significance for Congenital myasthenic syndrome 8. Last evaluated: 2021-07-27. Review status: criteria provided, single submitter. Criteria: Invitae Variant Classification Sherloc (09022015). Collection method: clinical testing. Allele origin: germline.
Comment: In summary, the available evidence is currently insufficient to determine the role of this variant in disease. Therefore, it has been classified as a Variant of Uncertain Significance. Algorithms developed to predict the effect of missense changes on protein structure and function are either unavailable or do not agree on the potential impact of this missense change (SIFT: "Deleterious"; PolyPhen-2: "Possibly Damaging"; Align-GVGD: "Class C0"). This variant has not been reported in the literature in individuals affected with AGRN-related conditions. This variant is not present in population databases (ExAC no frequency). This sequence change replaces phenylalanine with leucine at codon 1134 of the AGRN protein (p.Phe1134Leu). The phenylalanine residue is highly conserved and there is a small physicochemical difference between phenylalanine and leucine.